The following is an entry in ClinVar:

NM_000257.4(MYH7):c.2146G>C (p.Gly716Arg)

Gene: MYH7 (myosin heavy chain 7; minus strand). Cytogenetic location: 14q11.2.
Variant type: single nucleotide variant.
Coding change: c.2146G>C on transcript NM_000257.4 (MANE Select); coding-DNA position 2146, G replaced by C.
Protein change: p.Gly716Arg; replaces glycine 716 with arginine.
Molecular consequence: missense variant.
Genome position (GRCh38, 1-based): chr14:23,425,980, C>G on the plus strand (G>C on the coding strand, the complement: MYH7 is on the minus strand). VCF-style: chr14-23425980-C-G. GRCh37 (hg19) VCF-style: chr14-23895189-C-G.
Other names: short protein forms G716R.
Identifiers: ClinVar variation 847327 (VCV000847327.10), dbSNP rs121913638, ClinGen allele CA389049033.

ClinVar aggregate classification (germline): Pathogenic. Review status: criteria provided, multiple submitters, no conflicts (2 of 4 stars). 2 submissions from 2 submitters: Pathogenic (2). Last evaluated 2025-08-25.

Conditions:
Hypertrophic cardiomyopathy. Also called: HYPERTROPHIC MYOCARDIOPATHY. Identifiers: Orphanet 217569, MedGen C0007194, MeSH D002312, MONDO:0005045, HP:0001639.

Submissions (2):

Dasa
Classification: Pathogenic. Last evaluated: 2025-08-25. Review status: criteria provided, single submitter. Criteria: DASA Assertion Criteria. Collection method: clinical testing. Allele origin: germline.
Comment: NM_000257.4(MYH7):c.2146G>C (p.Gly716Arg) is a missense variant that results in the substitution of glycine with arginine. This variant results in the same amino acid change as a previously established pathogenic variant. The affected residue or protein region has prior evidence supporting clinical relevance. Functional evidence supports a deleterious effect on the gene or gene product (PMID: 27483260). This variant has been reported in individuals with related phenotype (PMID: 27483260). Multiple computational predictions support a deleterious effect on the gene or gene product. The variant is present at low frequency in population datasets. Based on the available data, this variant is classified as pathogenic.

Labcorp Genetics (formerly Invitae), Labcorp
Classification: Pathogenic for Hypertrophic cardiomyopathy. Last evaluated: 2019-01-19. Review status: criteria provided, single submitter. Criteria: Invitae Variant Classification Sherloc (09022015). Collection method: clinical testing. Allele origin: germline.
Comment: This variant is found within a region of MYH7 between codons 181 and 937 that contains the majority of the myosin head domain. Missense variants in this region have been shown to be significantly overrepresented in individuals with hypertrophic cardiomyopathy (PMID: 27532257). For these reasons, this variant has been classified as Pathogenic. A different variant (c.2146G>A) giving rise to the same protein effect observed here (p.Gly716Arg) has been determined to be pathogenic (PMID: 25935763, 8282798,20624503, 23283745, 12707239, 20800588, 27161882, 30165862). This suggests that this variant is also likely to be causative of disease. Algorithms developed to predict the effect of missense changes on protein structure and function (SIFT, PolyPhen-2, Align-GVGD) all suggest that this variant is likely to be disruptive, but these predictions have not been confirmed by published functional studies and their clinical significance is uncertain. This missense change has been observed in individuals affected with hypertrophic cardiomyopathy (PMID: 27483260, 28356264, 15358028, 18953637, 24093860, 20031618). This variant is not present in population databases (ExAC no frequency). This sequence change replaces glycine with arginine at codon 716 of the MYH7 protein (p.Gly716Arg). The glycine residue is highly conserved and there is a moderate physicochemical difference between glycine and arginine.

Literature cited by the submitters: PubMed 27483260 (cited by Dasa and Labcorp Genetics (formerly Invitae), Labcorp); PubMed 27532257 (cited by Labcorp Genetics (formerly Invitae), Labcorp); PubMed 25935763 (cited by Labcorp Genetics (formerly Invitae), Labcorp); PubMed 8282798 (cited by Labcorp Genetics (formerly Invitae), Labcorp); PubMed 20624503 (cited by Labcorp Genetics (formerly Invitae), Labcorp); PubMed 23283745 (cited by Labcorp Genetics (formerly Invitae), Labcorp); PubMed 12707239 (cited by Labcorp Genetics (formerly Invitae), Labcorp); PubMed 20800588 (cited by Labcorp Genetics (formerly Invitae), Labcorp); PubMed 27161882 (cited by Labcorp Genetics (formerly Invitae), Labcorp); PubMed 30165862 (cited by Labcorp Genetics (formerly Invitae), Labcorp); PubMed 28356264 (cited by Labcorp Genetics (formerly Invitae), Labcorp); PubMed 15358028 (cited by Labcorp Genetics (formerly Invitae), Labcorp); PubMed 18953637 (cited by Labcorp Genetics (formerly Invitae), Labcorp); PubMed 24093860 (cited by Labcorp Genetics (formerly Invitae), Labcorp); PubMed 20031618 (cited by Labcorp Genetics (formerly Invitae), Labcorp).